The following is an entry in ClinVar:

NM_001005361.3(DNM2):c.1463C>T (p.Thr488Met)

Gene: DNM2 (dynamin 2; plus strand). Cytogenetic location: 19p13.2.
Variant type: single nucleotide variant.
Coding change: c.1463C>T on transcript NM_001005361.3 (MANE Select); coding-DNA position 1463, C replaced by T.
Protein change: p.Thr488Met; replaces threonine 488 with methionine.
Molecular consequence: missense variant.
Genome position (GRCh38, 1-based): chr19:10,802,328, C>T. VCF-style: chr19-10802328-C-T. GRCh37 (hg19) VCF-style: chr19-10913004-C-T.
Other names: c.1463C>T, p.Thr488Met (NM_001005360.3, NM_001005362.3, NM_001190716.2 and 1 more transcripts); short protein forms T488M.
Identifiers: ClinVar variation 1492181 (VCV001492181.6), dbSNP rs746903992, ClinGen allele CA9201172.

ClinVar aggregate classification (germline): Uncertain significance (1 of 4 stars; one submission).

Conditions:
Charcot-Marie-Tooth disease dominant intermediate B (CMTDIB). Also called: Charcot-Marie-Tooth disease dominant intermediate 1; CMT DI1; Charcot-Marie-Tooth disease dominant intermediate I; CHARCOT-MARIE-TOOTH NEUROPATHY, DOMINANT INTERMEDIATE B. Identifiers: Orphanet 100044, Orphanet 228179, MedGen C1847902, MONDO:0011674, OMIM 606482.

gnomAD v4.1: 8 of 1,614,190 alleles (0.0005%); highest among the groups gnomAD compares: South Asian, 0.0011%; no homozygotes.

Submission:

Labcorp Genetics (formerly Invitae), Labcorp
Classification: Uncertain significance for Charcot-Marie-Tooth disease dominant intermediate B. Last evaluated: 2024-03-10. Review status: criteria provided, single submitter. Criteria: Invitae Variant Classification Sherloc (09022015). Collection method: clinical testing. Allele origin: germline.
Comment: This sequence change replaces threonine, which is neutral and polar, with methionine, which is neutral and non-polar, at codon 488 of the DNM2 protein (p.Thr488Met). This variant is present in population databases (rs746903992, gnomAD 0.003%). This variant has not been reported in the literature in individuals affected with DNM2-related conditions. ClinVar contains an entry for this variant (Variation ID: 1492181). Advanced modeling of protein sequence and biophysical properties (such as structural, functional, and spatial information, amino acid conservation, physicochemical variation, residue mobility, and thermodynamic stability) has been performed at Invitae for this missense variant, however the output from this modeling did not meet the statistical confidence thresholds required to predict the impact of this variant on DNM2 protein function. This variant disrupts the p.Thr488Ar amino acid residue in DNM2. Other variant(s) that disrupt this residue have been determined to be pathogenic (Invitae). This suggests that this residue is clinically significant, and that variants that disrupt this residue are likely to be disease-causing. In summary, the available evidence is currently insufficient to determine the role of this variant in disease. Therefore, it has been classified as a Variant of Uncertain Significance.